The following is an entry in ClinVar:

NM_198428.3(BBS9):c.-305T>G

Gene: BBS9 (Bardet-Biedl syndrome 9; plus strand). Cytogenetic location: 7p14.3.
Variant type: single nucleotide variant.
Coding change: c.-305T>G on transcript NM_198428.3 (MANE Select); 305 bases upstream of the start codon, T replaced by G.
Molecular consequence: 5 prime UTR variant. On other transcripts: non-coding transcript variant (1), intron variant (1).
Genome position (GRCh38, 1-based): chr7:33,129,748, T>G. VCF-style: chr7-33129748-T-G. GRCh37 (hg19) VCF-style: chr7-33169360-T-G.
Other names: c.-305T>G (NM_001033604.2, NM_001033605.2, NM_001348040.3 and 4 more transcripts); c.-606T>G (NM_001348037.3); c.-582T>G (NM_001348038.3, NM_001348039.3); c.-317T>G (NM_001348042.3); c.-332T>G (NM_001348044.3, NM_001348046.3); c.-483T>G (NM_001348045.3); c.-12+196T>G (NM_001348036.1).
Identifiers: ClinVar variation 360053 (VCV000360053.5), dbSNP rs112060099, ClinGen allele CA10623846.

ClinVar aggregate classification (germline): Likely benign (1 of 4 stars; one submission).

Conditions:
Bardet-Biedl syndrome 9 (BBS9). Identifiers: Orphanet 110, MedGen C1859567, MONDO:0014437, OMIM 615986.

Allele frequency attached by ClinVar (database versions not stated): gnomAD exomes 0.00188; 1000 Genomes Project 0.00439; 1000 Genomes Project 30x 0.00484; gnomAD 0.00549 and 0.00592; TOPMed 0.00603.
gnomAD v4.1: 828 of 152,668 alleles (0.54%); highest among the groups gnomAD compares: African/African-American, 1.9%; 9 homozygotes.

Submission:

Illumina Laboratory Services, Illumina
Classification: Likely benign for Bardet-Biedl syndrome 9. Last evaluated: 2018-01-12. Review status: criteria provided, single submitter. Criteria: ICSL Variant Classification Criteria 13 December 2019. Collection method: clinical testing. Allele origin: germline.
Comment: This variant was observed in the ICSL laboratory as part of a predisposition screen in an ostensibly healthy population. It had not been previously curated by ICSL or reported in the Human Gene Mutation Database (HGMD: prior to June 1st, 2018), and was therefore a candidate for classification through an automated scoring system. Utilizing variant allele frequency, disease prevalence and penetrance estimates, and inheritance mode, an automated score was calculated to assess if this variant is too frequent to cause the disease. Based on the score and internal cut-off values, a variant classified as likely benign is not then subjected to further curation. The score for this variant resulted in a classification of likely benign for this disease.